The following is an entry in ClinVar:

NM_170707.4(LMNA):c.807C>T (p.Ala269=)

Gene: LMNA (lamin A/C; plus strand). Cytogenetic location: 1q22.
Variant type: single nucleotide variant.
Coding change: c.807C>T on transcript NM_170707.4 (MANE Select); coding-DNA position 807, C replaced by T.
Protein change: p.Ala269=; no amino-acid change (alanine 269 retained).
Molecular consequence: synonymous variant. On other transcripts: missense variant (4).
Genome position (GRCh38, 1-based): chr1:156,134,972, C>T. VCF-style: chr1-156134972-C-T. GRCh37 (hg19) VCF-style: chr1-156104763-C-T.
Other names: c.249C>T, p.Ala83= (NM_001406993.1, NM_001406995.1, NM_001406996.1 and 4 more transcripts); c.143C>T, p.Pro48Leu (NM_001406994.1, NM_001406999.1, NM_001407000.1 and 1 more transcripts); c.471C>T, p.Ala157= (NM_001406998.1, NM_001257374.3, NM_001406989.1); c.807C>T, p.Ala269= (NM_005572.4, NM_170708.4, NM_001282625.2 and 6 more transcripts); c.564C>T, p.Ala188= (NM_001282624.2, NM_001406986.1, NM_001406987.1); c.510C>T, p.Ala170= (NM_001406988.1); short protein forms P48L.
Identifiers: ClinVar variation 1761898 (VCV001761898.3), dbSNP rs1194309507, ClinGen allele CA421068576.

ClinVar aggregate classification (germline): Likely benign. Review status: criteria provided, multiple submitters, no conflicts (2 of 4 stars). 2 submissions from 2 submitters: Likely benign (2). Last evaluated 2023-11-20.

Conditions:
Cardiovascular phenotype. Identifiers: MedGen CN230736.
Primary dilated cardiomyopathy (DCM). Also called: Dilated Cardiomyopathy. Identifiers: Orphanet 217604, MedGen C0007193, MeSH D002311, MONDO:0005021, HP:0001644. Inheritance: Various modes of inheritance.

Allele frequency attached by ClinVar (database versions not stated): gnomAD 0.00001; TOPMed 0.00001.
gnomAD v4.1: 1 of 1,614,048 alleles (0.000062%); highest among the groups gnomAD compares: African/African-American, 0.0013%; no homozygotes.

Submissions (2):

All of Us Research Program, National Institutes of Health
Classification: Likely benign for Primary dilated cardiomyopathy. Last evaluated: 2023-11-20. Review status: criteria provided, single submitter. Criteria: ACMG Guidelines, 2015. Collection method: clinical testing. Allele origin: germline. Inheritance: Autosomal dominant inheritance. Observed: 1 variant allele, 1 heterozygote.
Comment: This study involves interpretation of variants in research participants for the purpose of population health screening. Participant phenotype was not available at the time of variant classification. Additional details can be found in publication PMID: 35346344, PMCID: PMC8962531

Ambry Genetics
Classification: Likely benign for Cardiovascular phenotype. Last evaluated: 2020-10-29. Review status: criteria provided, single submitter. Criteria: Ambry Variant Classification Scheme 2023. Collection method: clinical testing. Allele origin: germline.